The following is an entry in ClinVar:

ClinVar aggregate classification (germline): Uncertain significance (1 of 4 stars; one submission).

Conditions:
Juvenile polyposis syndrome (JPS). Identifiers: Orphanet 2929, MedGen C0345893, MONDO:0017380, OMIM 174900.

Submission:

Labcorp Genetics (formerly Invitae), Labcorp
Classification: Uncertain significance for Juvenile polyposis syndrome. Last evaluated: 2025-08-07. Review status: criteria provided, single submitter. Criteria: Invitae Variant Classification Sherloc (09022015). Collection method: clinical testing. Allele origin: germline.
Comment: This sequence change replaces proline, which is neutral and non-polar, with serine, which is neutral and polar, at codon 68 of the BMPR1A protein (p.Pro68Ser). This variant is not present in population databases (gnomAD no frequency). This variant has not been reported in the literature in individuals affected with BMPR1A-related conditions. Invitae Evidence Modeling of protein sequence and biophysical properties (such as structural, functional, and spatial information, amino acid conservation, physicochemical variation, residue mobility, and thermodynamic stability) has been performed for this missense variant. However, the output from this modeling did not meet the statistical confidence thresholds required to predict the impact of this variant on BMPR1A protein function. In summary, the available evidence is currently insufficient to determine the role of this variant in disease. Therefore, it has been classified as a Variant of Uncertain Significance.

NM_004329.3(BMPR1A):c.202C>T (p.Pro68Ser)

Gene: BMPR1A (bone morphogenetic protein receptor type 1A; plus strand). Cytogenetic location: 10q23.2.
Variant type: single nucleotide variant.
Coding change: c.202C>T on transcript NM_004329.3 (MANE Select); coding-DNA position 202, C replaced by T.
Protein change: p.Pro68Ser; replaces proline 68 with serine.
Molecular consequence: missense variant. On other transcripts: non-coding transcript variant (3).
Genome position (GRCh38, 1-based): chr10:86,890,196, C>T. VCF-style: chr10-86890196-C-T. GRCh37 (hg19) VCF-style: chr10-88649953-C-T.
Other names: c.202C>T, p.Pro68Ser (NM_001406571.1, NM_001406572.1, NM_001406573.1 and 23 more transcripts); c.118C>T, p.Pro40Ser (NM_001406584.1, NM_001406585.1, NM_001406586.1 and 2 more transcripts); short protein forms P40S, P68S.
Identifiers: ClinVar variation 4717730 (VCV004717730.1).
Genomic context (GRCh38, chr10:86,890,196, plus strand): 5'-GTAACCTTAGCACCAGAGGATACCTTGCCTTTTTTAAAGTGCTATTGCTCAGGGCACTGT[C>T]CAGATGATGCTATTAATAACACATGCATGTAAGTATTTTATGCAGCCCTTCTTAAGAGTT-3'
Protein context (NP_004320.2, residues 58-78): FLKCYCSGHC[Pro68Ser]DDAINNTCIT